The following is an entry in ClinVar:

NM_032656.4(DHX37):c.1000C>T (p.Arg334Trp)

Gene: DHX37 (DEAH-box helicase 37; minus strand). Cytogenetic location: 12q24.31.
Variant type: single nucleotide variant.
Coding change: c.1000C>T on transcript NM_032656.4 (MANE Select); coding-DNA position 1000, C replaced by T.
Protein change: p.Arg334Trp; replaces arginine 334 with tryptophan.
Molecular consequence: missense variant.
Genome position (GRCh38, 1-based): chr12:124,972,580, G>A on the plus strand (C>T on the coding strand, the complement: DHX37 is on the minus strand). VCF-style: chr12-124972580-G-A. GRCh37 (hg19) VCF-style: chr12-125457126-G-A.
Other names: short protein forms R334W.
Identifiers: ClinVar variation 3376551 (VCV003376551.5).

ClinVar aggregate classification (germline): Conflicting classifications of pathogenicity. Review status: criteria provided, conflicting classifications (1 of 4 stars). 4 submissions from 4 submitters: Pathogenic (1); Likely pathogenic (2); Uncertain significance (1). Last evaluated 2025-10-21.

Conditions:
Differences in sex development.
46,XY sex reversal 11. Also called: Testicular regression syndrome; Vanishing testis; ANORCHIA, FAMILIAL; TESTICULAR REGRESSION, EMBRYONIC. Identifiers: Orphanet 983, MedGen C0266427, MONDO:8000015, OMIM 273250, HP:0012870.

Submissions (4):

NHS Central & South Genomic Laboratory Hub
Classification: Likely pathogenic for Differences in sex development. Last evaluated: 2025-10-21. Review status: criteria provided, single submitter. Criteria: ACMG Guidelines, 2015. Collection method: clinical testing. Allele origin: germline. Affected: yes.

Victorian Clinical Genetics Services, Murdoch Childrens Research Institute
Classification: Pathogenic for 46,XY sex reversal 11. Last evaluated: 2023-07-17. Review status: criteria provided, single submitter. Criteria: ACMG Guidelines, 2015. Collection method: clinical testing. Allele origin: germline. Inheritance: Autosomal dominant inheritance. Affected: yes.
Comment: Based on the classification scheme VCGS_Germline_v1.3.4, this variant is classified as Pathogenic. Following criteria are met: 0105 - The mechanism of disease for this gene is not clearly established. (I) 0108 - This gene is associated with both recessive and dominant disease. Monoallelic variants are associated with 46, XY sex reversal 11 (MIM#273250), while biallelic variants are associated with neurodevelopmental disorder with brain anomalies and with or without vertebral or cardiac anomalies (MIM#618731) (OMIM). (I) 0200 - Variant is predicted to result in a missense amino acid change from arginine to tryptophan. (I) 0251 - This variant is heterozygous. (I) 0301 - Variant is absent from gnomAD (both v2 and v3). (SP) 0501 - Missense variant with conflicting in silico tools and very highly conserved with a major amino acid change. (SP) 0600 - Variant is located in the annotated ATP-binding DEAH-box helicase (DECIPHER). (I) 0704 - Another missense variant comparable to the one identified in this case has limited previous evidence for pathogenicity. One alternative change to a leucine has been reported in a de novo individual with gonadal dysgenesis (PMID: 31337883). (SP) 0803 - This variant has limited previous evidence of pathogenicity in an unrelated individual. This variant has been reported in an individual with testicular regression syndrome (PMID: 31337883). (SP) 0905 - No published segregation evidence has been identified for this variant. (I) 1007 - No published functional evidence has been identified for this variant. (SP) Legend: (SP) - Supporting pathogenic, (I) - Information, (SB) - Supporting benign

Clinical Genetics Service, Universitary Hospital 12 de Octubre
Classification: Likely pathogenic for 46,XY sex reversal 11. Review status: criteria provided, single submitter. Criteria: ACMG Guidelines, 2015. Collection method: clinical testing. Allele origin: paternal. Affected: yes.

Juno Genomics, Hangzhou Juno Genomics, Inc
Classification: Uncertain significance for 46,XY sex reversal 11. Review status: criteria provided, single submitter. Criteria: ACMG Guidelines, 2015. Collection method: clinical testing. Allele origin: germline. Affected: yes.
Comment: Absent from controls (or at extremely low frequency if recessive) in Genome Aggregation Database, Exome Sequencing Project, 1000 Genomes Project, or Exome Aggregation Consortium.;The prevalence of the variant in affected individuals is significantly increased compared to the prevalence in controls.;Patient's phenotype or family history is highly specific for a disease with a single genetic etiology.

Literature cited by the submitters: PubMed 31337883 (cited by Victorian Clinical Genetics Services, Murdoch Childrens Research Institute).